The following is an entry in ClinVar:

ClinVar aggregate classification (germline): Uncertain significance. Review status: criteria provided, multiple submitters, no conflicts (2 of 4 stars). 2 submissions from 2 submitters: Uncertain significance (2). Last evaluated 2023-10-02.

Conditions:
Colorectal cancer, hereditary nonpolyposis, type 7. Identifiers: Orphanet 144, MedGen C1858380, MONDO:0013725, OMIM 614385.

Allele frequency attached by ClinVar (database versions not stated): gnomAD 0.00001; TOPMed 0.00001.
gnomAD v4.1: 1 of 1,613,324 alleles (0.000062%); highest among the groups gnomAD compares: Non-Finnish European, 0.000085%; no homozygotes.

Submissions (2):

Ambry Genetics
Classification: Uncertain significance. Last evaluated: 2023-10-02. Review status: criteria provided, single submitter. Criteria: Ambry Variant Classification Scheme 2023. Collection method: clinical testing. Allele origin: germline.
Comment: The p.S588G variant (also known as c.1762A>G), located in coding exon 1 of the MLH3 gene, results from an A to G substitution at nucleotide position 1762. The serine at codon 588 is replaced by glycine, an amino acid with similar properties. This amino acid position is conserved. In addition, this alteration is predicted to be tolerated by in silico analysis. Since supporting evidence is limited at this time, the clinical significance of this alteration remains unclear.

Labcorp Genetics (formerly Invitae), Labcorp
Classification: Uncertain significance for Colorectal cancer, hereditary nonpolyposis, type 7. Last evaluated: 2021-07-29. Review status: criteria provided, single submitter. Criteria: Invitae Variant Classification Sherloc (09022015). Collection method: clinical testing. Allele origin: germline.
Comment: This variant has not been reported in the literature in individuals affected with MLH3-related conditions. In summary, the available evidence is currently insufficient to determine the role of this variant in disease. Therefore, it has been classified as a Variant of Uncertain Significance. Algorithms developed to predict the effect of missense changes on protein structure and function output the following: SIFT: "Tolerated"; PolyPhen-2: "Benign"; Align-GVGD: "Class C0". The glycine amino acid residue is found in multiple mammalian species, which suggests that this missense change does not adversely affect protein function. This variant is not present in population databases (ExAC no frequency). This sequence change replaces serine with glycine at codon 588 of the MLH3 protein (p.Ser588Gly). The serine residue is weakly conserved and there is a small physicochemical difference between serine and glycine.

NM_001040108.2(MLH3):c.1762A>G (p.Ser588Gly)

Gene: MLH3 (mutL homolog 3; minus strand). Cytogenetic location: 14q24.3.
Variant type: single nucleotide variant.
Coding change: c.1762A>G on transcript NM_001040108.2 (MANE Select); coding-DNA position 1762, A replaced by G.
Protein change: p.Ser588Gly; replaces serine 588 with glycine.
Molecular consequence: missense variant.
Genome position (GRCh38, 1-based): chr14:75,047,894, T>C on the plus strand (A>G on the coding strand, the complement: MLH3 is on the minus strand). VCF-style: chr14-75047894-T-C. GRCh37 (hg19) VCF-style: chr14-75514597-T-C.
Other names: c.1762A>G (NM_001040108.1); c.1762A>G, p.Ser588Gly (NM_014381.3); short protein forms S588G.
Identifiers: ClinVar variation 1428379 (VCV001428379.9), dbSNP rs1892367899, ClinGen allele CA390444399.